The following is an entry in ClinVar:

ClinVar aggregate classification (germline): Uncertain significance (1 of 4 stars; one submission).

Submission:

Labcorp Genetics (formerly Invitae), Labcorp
Classification: Uncertain significance. Last evaluated: 2018-12-14. Review status: criteria provided, single submitter. Criteria: Invitae Variant Classification Sherloc (09022015). Collection method: clinical testing. Allele origin: germline.
Comment: This variant results in a copy number gain of the genomic region encompassing exons 1-2 of the PRKN gene. The 5' end of this event is unknown as it extends beyond the assayed region for this gene and therefore may encompass additional genes. The 3' boundary is likely confined to intron 2 of the PRKN gene. As the precise location of this event is unknown, it may be in tandem or it may be located elsewhere in the genome. This variant has not been reported in the literature in individuals with PRKN-related conditions. In summary, the available evidence is currently insufficient to determine the role of this variant in disease. Therefore, it has been classified as a Variant of Uncertain Significance.

NC_000006.11:g.(?_162864332)_(163149055_?)dup

Genes: PACRG (parkin coregulated; plus strand), PRKN (parkin RBR E3 ubiquitin protein ligase; minus strand). Cytogenetic location: 6q26.
Variant type: Duplication.
Identifiers: ClinVar variation 658980 (VCV000658980.2).